The following is an entry in ClinVar:

NM_001042492.3(NF1):c.2271_2298dup (p.Glu767delinsLysSerAspGlyThrAlaGluAlaHisTer)

Gene: NF1 (neurofibromin 1; plus strand). Cytogenetic location: 17q11.2.
Variant type: Duplication.
Coding change: c.2271_2298dup on transcript NM_001042492.3 (MANE Select); coding-DNA positions 2271 to 2298, 28 bases duplicated (AAGAGTGATGGCACTGCTGAGGCGCATT).
Protein change: p.Glu767delinsLysSerAspGlyThrAlaGluAlaHisTer.
Molecular consequence: nonsense. On other transcripts: frameshift variant (1).
Genome position (GRCh38, 1-based): chr17:31,227,237-31,227,264, AAGAGTGATGGCACTGCTGAGGCGCATT duplicated. VCF-style (leftmost placement, unchanged base first): chr17-31227236-A-AAAGAGTGATGGCACTGCTGAGGCGCATT. GRCh37 (hg19) VCF-style: chr17-29554254-A-AAAGAGTGATGGCACTGCTGAGGCGCATT.
Other names: c.2271_2298dup, p.Glu767Lysfs (NM_000267.4).
Identifiers: ClinVar variation 3632910 (VCV003632910.2).

ClinVar aggregate classification (germline): Pathogenic (1 of 4 stars; one submission).

Conditions:
Neurofibromatosis, type 1 (NF1). Also called: VON RECKLINGHAUSEN DISEASE; Peripheral type neurofibromatosis; NEUROFIBROMATOSIS, TYPE I, SOMATIC; Neurofibromatosis, type I. Identifiers: Orphanet 636, MedGen C0027831, MONDO:0018975, OMIM 162200. Disease mechanism: loss of function.

Submission:

Labcorp Genetics (formerly Invitae), Labcorp
Classification: Pathogenic for Neurofibromatosis, type 1. Last evaluated: 2024-10-22. Review status: criteria provided, single submitter. Criteria: Invitae Variant Classification Sherloc (09022015). Collection method: clinical testing. Allele origin: germline.
Comment: This sequence change creates a premature translational stop signal (p.Glu767Lysfs*10) in the NF1 gene. It is expected to result in an absent or disrupted protein product. Loss-of-function variants in NF1 are known to be pathogenic (PMID: 10712197, 23913538). This variant is not present in population databases (gnomAD no frequency). This variant has not been reported in the literature in individuals affected with NF1-related conditions. For these reasons, this variant has been classified as Pathogenic.

Literature cited by the submitters: PubMed 10712197; PubMed 23913538.